The following is an entry in ClinVar:

NM_001009944.3(PKD1):c.9136C>T (p.Arg3046Cys)

Gene: PKD1 (polycystin 1, transient receptor potential channel interacting; minus strand). Cytogenetic location: 16p13.3.
Variant type: single nucleotide variant.
Coding change: c.9136C>T on transcript NM_001009944.3 (MANE Select); coding-DNA position 9136, C replaced by T.
Protein change: p.Arg3046Cys; replaces arginine 3046 with cysteine.
Molecular consequence: missense variant.
Genome position (GRCh38, 1-based): chr16:2,102,446, G>A on the plus strand (C>T on the coding strand, the complement: PKD1 is on the minus strand). VCF-style: chr16-2102446-G-A. GRCh37 (hg19) VCF-style: chr16-2152447-G-A.
Other names: c.9136C>T, p.Arg3046Cys (NM_000296.4); short protein forms R3046C.
Identifiers: ClinVar variation 997098 (VCV000997098.8), dbSNP rs773857360, ClinGen allele CA7830186.

ClinVar aggregate classification (germline): Uncertain significance. Review status: criteria provided, multiple submitters, no conflicts (2 of 4 stars). 4 submissions from 4 submitters: Uncertain significance (2). 2 of the submissions do not count toward it. Last evaluated 2024-02-09.

Conditions:
Polycystic kidney disease. Also called: Polycystic kidney dysplasia; Kidney, Polycystic. Identifiers: MedGen C0022680, MeSH D007690, MONDO:0020642, HP:0000113.
Polycystic kidney disease, adult type (PKD1). Also called: POLYCYSTIC KIDNEY DISEASE, ADULT, TYPE I; Polycystic Kidney Disease 1, Autosomal Dominant; Polycystic kidney disease 1; Polycystic kidney disease 1, severe; Polycystic Kidney, Autosomal Dominant; POLYCYSTIC KIDNEY DISEASE 1 WITH OR WITHOUT POLYCYSTIC LIVER DISEASE. Identifiers: MedGen C3149841, MONDO:0008263, OMIM 173900.
PKD1-related disorder. Also called: PKD1-related condition.

Allele frequency attached by ClinVar (database versions not stated): gnomAD 0.00005; gnomAD exomes 0.00005 and 0.00015; TOPMed 0.00011; ExAC 0.00016.
gnomAD v4.1: 79 of 1,552,018 alleles (0.0051%); highest among the groups gnomAD compares: East Asian, 0.13%; no homozygotes.

Submissions (4):

Fulgent Genetics
Classification: Uncertain significance for Polycystic kidney disease, adult type. Last evaluated: 2024-02-09. Review status: criteria provided, single submitter. Criteria: ACMG Guidelines, 2015. Collection method: clinical testing. Allele origin: germline.

GeneDx
Classification: Uncertain significance. Last evaluated: 2020-01-21. Review status: criteria provided, single submitter. Criteria: GeneDx Variant Classification Process June 2021. Collection method: clinical testing. Allele origin: germline. Affected: yes.
Comment: Has been reported previously in two unrelated individuals polycystic kidney disease who both also harbored a second alteration in PKD1; the phase of these two variants was not confirmed in these individuals, and further evidence supporting pathogenicity of either of these variants was not provided (Liu et al., 2016; Wang et al., 2019); Has also been reported in a third individual with polycystic kidneys (Xu et al., 2018); In silico analysis, which includes protein predictors and evolutionary conservation, supports a deleterious effect; This variant is associated with the following publications: (PMID: 31740684, 31056860, 29529603, 26902268)

PreventionGenetics, part of Exact Sciences
Classification: Likely benign for PKD1-related condition. Last evaluated: 2022-04-24. Review status: no assertion criteria provided. Collection method: clinical testing. Allele origin: germline. Not counted in ClinVar's aggregate classification.
Comment: This variant is classified as likely benign based on ACMG/AMP sequence variant interpretation guidelines (Richards et al. 2015 PMID: 25741868, with internal and published modifications).

Department of Pathology and Laboratory Medicine, Sinai Health System
Classification: Uncertain significance for Polycystic Kidney disease. Review status: no assertion criteria provided. Collection method: clinical testing. Allele origin: unknown. Affected: yes. Study: The Canadian Open Genetics Repository (COGR). Not counted in ClinVar's aggregate classification.
Comment: The PKD1 p.Arg3046Cys variant was identified in 1 of 98 proband chromosomes (frequency: 0.01) from a cohort of unrelated Chinese patients with ADPKD (Liu 2015). The variant was also identified in dbSNP (ID: rs773857360) as â€šÃ„ÃºNAâ€šÃ„Ã¹. The variant was not identified in ClinVar, GeneInsight-COGR, LOVD 3.0, ADPKD Mutation Database, and PKD1-LOVD, databases. The variant was identified in control databases in 26 of 181092 chromosomes at a frequency of 0.000144 increasing the likelihood that this may be a low frequency variant in certain populations of origin (Genome Aggregation Consortium Feb 27, 2017). The variant was identified in the following populations: East Asian in 24 of 11948 (freq: 0.002) and European (non-Finnish) in 2 of 72172 (freq: 0.000027). In addition we cannot be certain that data from control databases is specific to PKD1 and not from one of the six PKD1 pseudogenes. The p.Arg3046 residue is conserved in mammals but not in more distantly related organisms, and computational analyses (PolyPhen-2, SIFT, AlignGVGD, BLOSUM, MutationTaster) suggest that the variant may impact the protein; however, this information is not predictive enough to assume pathogenicity. The p.Arg3046Cys variant occurs outside of the splicing consensus sequence and in silico or computational prediction software programs (SpliceSiteFinder, MaxEntScan, NNSPLICE, GeneSplicer, HumanSpliceFinder) do not predict a difference in splicing. The variant is located with the GPS functional domain increasing the likelihood that it may have clinical significance. In summary, based on the above information the clinical significance of this variant cannot be determined with certainty at this time. This variant is classified as a variant of uncertain significance.